The following is an entry in ClinVar:

ClinVar aggregate classification (germline): Uncertain significance (1 of 4 stars; one submission).

Submission:

GeneDx
Classification: Uncertain significance. Last evaluated: 2025-05-27. Review status: criteria provided, single submitter. Criteria: GeneDx Variant Classification Process June 2021. Collection method: clinical testing. Allele origin: germline. Affected: yes.
Comment: Not observed at significant frequency in large population cohorts (gnomAD); In silico analysis suggests that this missense variant does not alter protein structure/function; Has not been previously published as pathogenic or benign to our knowledge

NM_001256627.2(BRSK2):c.500T>C (p.Val167Ala)

Gene: BRSK2 (BR serine/threonine kinase 2; plus strand). Cytogenetic location: 11p15.5.
Variant type: single nucleotide variant.
Coding change: c.500T>C on transcript NM_001256627.2 (MANE Select); coding-DNA position 500, T replaced by C.
Protein change: p.Val167Ala; replaces valine 167 with alanine.
Molecular consequence: missense variant. On other transcripts: non-coding transcript variant (1).
Genome position (GRCh38, 1-based): chr11:1,442,576, T>C. VCF-style: chr11-1442576-T-C. GRCh37 (hg19) VCF-style: chr11-1463806-T-C.
Other names: c.500T>C, p.Val167Ala (NM_001256629.2, NM_003957.4); c.638T>C, p.Val213Ala (NM_001256630.1); c.320T>C, p.Val107Ala (NM_001282218.2); short protein forms V107A, V167A, V213A.
Identifiers: ClinVar variation 2443376 (VCV002443376.2), dbSNP rs2539470594, ClinGen allele CA379058530.